The following is an entry in ClinVar:

ClinVar aggregate classification (germline): Uncertain significance (1 of 4 stars; one submission).

Submission:

Ambry Genetics
Classification: Uncertain significance. Last evaluated: 2025-05-24. Review status: criteria provided, single submitter. Criteria: Ambry Variant Classification Scheme 2023. Collection method: clinical testing. Allele origin: germline.
Comment: The p.L155V variant (also known as c.463C>G), located in coding exon 1 of the EGLN1 gene, results from a C to G substitution at nucleotide position 463. The leucine at codon 155 is replaced by valine, an amino acid with highly similar properties. This amino acid position is conserved. In addition, this alteration is predicted to be tolerated by in silico analysis. Since supporting evidence is limited at this time, the clinical significance of this alteration remains unclear.

NM_022051.3(EGLN1):c.463C>G (p.Leu155Val)

Gene: EGLN1 (egl-9 family hypoxia inducible factor 1; minus strand). Cytogenetic location: 1q42.2.
Variant type: single nucleotide variant.
Coding change: c.463C>G on transcript NM_022051.3 (MANE Select); coding-DNA position 463, C replaced by G.
Protein change: p.Leu155Val; replaces leucine 155 with valine.
Molecular consequence: missense variant.
Genome position (GRCh38, 1-based): chr1:231,421,426, G>C on the plus strand (C>G on the coding strand, the complement: EGLN1 is on the minus strand). VCF-style: chr1-231421426-G-C. GRCh37 (hg19) VCF-style: chr1-231557172-G-C.
Other names: c.463C>G, p.Leu155Val (NM_001377260.1, NM_001377261.1); short protein forms L155V.
Identifiers: ClinVar variation 1742088 (VCV001742088.3), dbSNP rs753433323, ClinGen allele CA345236877.